The following is an entry in ClinVar:

ClinVar aggregate classification (germline): Benign/Likely benign. Review status: criteria provided, multiple submitters, no conflicts (2 of 4 stars). 11 submissions from 11 submitters: Benign (8); Likely benign (1). 2 of the submissions do not count toward it. Last evaluated 2026-02-04.

Conditions:
Cardiovascular phenotype. Identifiers: MedGen CN230736.
Long QT syndrome (LQTS). Identifiers: MedGen C0023976, MeSH D008133, MONDO:0002442. Disease mechanism: loss of function. Inheritance: Various modes of inheritance.
Long QT syndrome 11 (LQT11). Identifiers: Orphanet 101016, Orphanet 768, MedGen C2678483, MONDO:0012738, OMIM 611820.

Allele frequency attached by ClinVar (database versions not stated): 1000 Genomes Project 30x 0.29450; 1000 Genomes Project 0.29573; TOPMed 0.33081; gnomAD 0.33792 and 0.33956; ESP Exome Variant Server 0.35568; gnomAD exomes 0.35862 and 0.37898; ExAC 0.35888.
gnomAD v4.1: 604,869 of 1,612,624 alleles (38%); highest among the groups gnomAD compares: Middle Eastern, 42%; 116,077 homozygotes.

Submissions (11):

Labcorp Genetics (formerly Invitae), Labcorp
Classification: Benign for Long QT syndrome. Last evaluated: 2026-02-04. Review status: criteria provided, single submitter. Criteria: Invitae Variant Classification Sherloc (09022015). Collection method: clinical testing. Allele origin: germline.

Blueprint Genetics
Classification: Benign. Last evaluated: 2024-11-27. Review status: criteria provided, single submitter. Criteria: ACMG Guidelines, 2015. Collection method: clinical testing. Allele origin: germline.

Genome-Nilou Lab
Classification: Benign for Long QT syndrome 11. Last evaluated: 2021-12-05. Review status: criteria provided, single submitter. Criteria: ACMG Guidelines, 2015. Collection method: clinical testing. Allele origin: germline. Affected: no.

Women's Health and Genetics/Laboratory Corporation of America, LabCorp
Classification: Benign. Last evaluated: 2019-08-09. Review status: criteria provided, single submitter. Criteria: LabCorp Variant Classification Summary - May 2015. Collection method: clinical testing. Allele origin: germline.

Laboratory for Molecular Medicine, Mass General Brigham Personalized Medicine
Classification: Benign. Last evaluated: 2016-04-25. Review status: criteria provided, single submitter. Criteria: LMM Criteria. Collection method: clinical testing. Allele origin: germline.
Comment: Variant identified in a genome or exome case(s) and assessed due to predicted null impact of the variant or pathogenic assertions in the literature or databases. Disclaimer: This variant has not undergone full assessment. The following are preliminary notes: Frequency in ESP (all): 4626/13006=35%

Ambry Genetics
Classification: Benign for Cardiovascular phenotype. Last evaluated: 2015-06-18. Review status: criteria provided, single submitter. Criteria: Ambry Variant Classification Scheme 2023. Collection method: clinical testing. Allele origin: germline.

GeneDx
Classification: Benign. Last evaluated: 2011-07-10. Review status: criteria provided, single submitter. Criteria: GeneDx Variant Classification (06012015). Collection method: clinical testing. Allele origin: germline. Affected: yes.
Comment: This variant is considered likely benign or benign based on one or more of the following criteria: it is a conservative change, it occurs at a poorly conserved position in the protein, it is predicted to be benign by multiple in silico algorithms, and/or has population frequency not consistent with disease.

Breakthrough Genomics
Classification: Likely benign. Review status: criteria provided, single submitter. Criteria: ACMG Guidelines, 2015. Collection method: not provided. Allele origin: germline. Inheritance: Autosomal dominant inheritance. Affected: yes.

PreventionGenetics, part of Exact Sciences
Classification: Benign. Review status: criteria provided, single submitter. Criteria: ACMG Guidelines, 2015. Collection method: clinical testing. Allele origin: germline.

Clinical Genetics, Academic Medical Center
Classification: Benign. Review status: no assertion criteria provided. Collection method: clinical testing. Allele origin: germline. Affected: yes. Study: VKGL Data-share Consensus. Not counted in ClinVar's aggregate classification.

Diagnostic Laboratory, Department of Genetics, University Medical Center Groningen
Classification: Benign for Long QT syndrome 11. Review status: no assertion criteria provided. Collection method: clinical testing. Allele origin: germline. Affected: yes. Study: VKGL Data-share Consensus. Not counted in ClinVar's aggregate classification.

NM_005751.5(AKAP9):c.9145C>T (p.Leu3049=)

Gene: AKAP9 (A-kinase anchoring protein 9; plus strand). Cytogenetic location: 7q21.2.
Variant type: single nucleotide variant.
Coding change: c.9145C>T on transcript NM_005751.5 (MANE Select); coding-DNA position 9145, C replaced by T.
Protein change: p.Leu3049=; no amino-acid change (leucine 3049 retained).
Molecular consequence: synonymous variant.
Genome position (GRCh38, 1-based): chr7:92,086,348, C>T. VCF-style: chr7-92086348-C-T. GRCh37 (hg19) VCF-style: chr7-91715662-C-T.
Other names: p.L3049L:CTG>TTG; c.3790C>T, p.Leu1264= (NM_001379277.1); c.9121C>T, p.Leu3041= (NM_147185.3).
Identifiers: ClinVar variation 136343 (VCV000136343.30), dbSNP rs28927678, ClinGen allele CA289364.
Genomic context (GRCh38, chr7:92,086,348, plus strand): 5'-GCCCTTCAACAAGTTTTCTTAGAAGAGCGTAGTGTTTTACTAGCAGCATTTCGGACGGAG[C>T]TGACAGCTCTAGGTACTACAGATGCAGTTGGTTTACTAAACTGTTTGGAACAGAGAATAC-3'
Protein context (NP_005742.4, residues 3039-3059): SVLLAAFRTE[Leu3049=]TALGTTDAVG